The following is an entry in ClinVar:

ClinVar aggregate classification (germline): Uncertain significance (1 of 4 stars; one submission).

Conditions:
Inborn genetic diseases. Identifiers: MedGen C0950123, MeSH D030342.

Submission:

Ambry Genetics
Classification: Uncertain significance for Inborn genetic diseases. Last evaluated: 2026-03-30. Review status: criteria provided, single submitter. Criteria: Ambry Variant Classification Scheme 2023. Collection method: clinical testing. Allele origin: germline.
Comment: The c.130G>T (p.D44Y) alteration is located in exon 4 (coding exon 3) of the RPL10 gene. This alteration results from a G to T substitution at nucleotide position 130, causing the aspartic acid (D) at amino acid position 44 to be replaced by a tyrosine (Y). This variant was not reported in population-based cohorts in the Genome Aggregation Database (gnomAD). This amino acid position is highly conserved in available vertebrate species. This missense variant is located in a region that has a low rate of benign missense variation (Lek, 2016; Firth, 2009). This alteration is predicted to be deleterious by in silico analysis. Based on insufficient or conflicting evidence, the clinical significance of this alteration remains unclear.

NM_006013.5(RPL10):c.130G>T (p.Asp44Tyr)

Gene: RPL10 (ribosomal protein L10; plus strand). Cytogenetic location: Xq28.
Variant type: single nucleotide variant.
Coding change: c.130G>T on transcript NM_006013.5 (MANE Select); coding-DNA position 130, G replaced by T.
Protein change: p.Asp44Tyr; replaces aspartic acid 44 with tyrosine.
Molecular consequence: missense variant. On other transcripts: intron variant (1).
Genome position (GRCh38, 1-based): chrX:154,399,534, G>T. VCF-style: chrX-154399534-G-T. GRCh37 (hg19) VCF-style: chrX-153627875-G-T.
Other names: c.130G>T, p.Asp44Tyr (NM_001256577.2, NM_001303624.2, NM_001303625.1 and 1 more transcripts); c.82+138G>T (NM_001256580.2); short protein forms D44Y.
Identifiers: ClinVar variation 4863470 (VCV004863470.1).